The following is an entry in ClinVar:

NM_001128431.4(SLC39A14):c.970T>A (p.Trp324Arg)

Gene: SLC39A14 (solute carrier family 39 member 14; plus strand). Cytogenetic location: 8p21.3.
Variant type: single nucleotide variant.
Coding change: c.970T>A on transcript NM_001128431.4 (MANE Select); coding-DNA position 970, T replaced by A.
Protein change: p.Trp324Arg; replaces tryptophan 324 with arginine.
Molecular consequence: missense variant.
Genome position (GRCh38, 1-based): chr8:22,416,103, T>A. VCF-style: chr8-22416103-T-A. GRCh37 (hg19) VCF-style: chr8-22273616-T-A.
Other names: c.970T>A, p.Trp324Arg (NM_001135153.3, NM_001135154.3, NM_001351655.2 and 3 more transcripts); c.1000T>A, p.Trp334Arg (NM_001351657.2, NM_001351658.2, NM_001351659.2); short protein forms W324R, W334R.
Identifiers: ClinVar variation 1512948 (VCV001512948.6), dbSNP rs1298505289, ClinGen allele CA370533086.

ClinVar aggregate classification (germline): Uncertain significance (1 of 4 stars; one submission).

Allele frequency attached by ClinVar (database versions not stated): TOPMed below 0.00001; gnomAD 0.00001.
gnomAD v4.1: 1 of 1,614,040 alleles (0.000062%); highest among the groups gnomAD compares: Non-Finnish European, 0.000085%; no homozygotes.

Submission:

Labcorp Genetics (formerly Invitae), Labcorp
Classification: Uncertain significance. Last evaluated: 2021-10-04. Review status: criteria provided, single submitter. Criteria: Invitae Variant Classification Sherloc (09022015). Collection method: clinical testing. Allele origin: germline.
Comment: In summary, the available evidence is currently insufficient to determine the role of this variant in disease. Therefore, it has been classified as a Variant of Uncertain Significance. Algorithms developed to predict the effect of sequence changes on RNA splicing suggest that this variant may create or strengthen a splice site. Algorithms developed to predict the effect of missense changes on protein structure and function (SIFT, PolyPhen-2, Align-GVGD) all suggest that this variant is likely to be tolerated. This variant has not been reported in the literature in individuals affected with SLC39A14-related conditions. This variant is not present in population databases (ExAC no frequency). This sequence change replaces tryptophan with arginine at codon 324 of the SLC39A14 protein (p.Trp324Arg). The tryptophan residue is moderately conserved and there is a moderate physicochemical difference between tryptophan and arginine.